The following is an entry in ClinVar:

NM_000090.4(COL3A1):c.463T>C (p.Tyr155His)

Gene: COL3A1 (collagen type III alpha 1 chain; plus strand). Cytogenetic location: 2q32.2.
Variant type: single nucleotide variant.
Coding change: c.463T>C on transcript NM_000090.4 (MANE Select); coding-DNA position 463, T replaced by C.
Protein change: p.Tyr155His; replaces tyrosine 155 with histidine.
Molecular consequence: missense variant.
Genome position (GRCh38, 1-based): chr2:188,987,074, T>C. VCF-style: chr2-188987074-T-C. GRCh37 (hg19) VCF-style: chr2-189851800-T-C.
Other names: short protein forms Y155H.
Identifiers: ClinVar variation 4881949 (VCV004881949.2).

ClinVar aggregate classification (germline): Uncertain significance (1 of 4 stars; one submission).

Conditions:
Ehlers-Danlos syndrome, dominant type 4. Also called: Autosomal dominant Ehlers-Danlos syndrome, vascular type. Identifiers: MedGen C0268339, MONDO:0007524.

Submission:

Dasa
Classification: Uncertain significance for autosomal dominant Ehlers-Danlos syndrome, vascular type. Last evaluated: 2025-11-04. Review status: criteria provided, single submitter. Criteria: DASA Assertion Criteria. Collection method: clinical testing. Allele origin: germline.
Comment: NM_000090.4(COL3A1):c.463T>C (p.Tyr155His) is a missense variant that results in the substitution of tyrosine with histidine. This variant is absent from population databases. The currently available literature and clinical evidence are not sufficient to establish a definitive association between this variant and the reported condition. Therefore, this variant is classified as a variant of uncertain significance.